The following is an entry in ClinVar:

ClinVar aggregate classification (germline): Uncertain significance (1 of 4 stars; one submission).

Allele frequency attached by ClinVar (database versions not stated): TOPMed below 0.00001; gnomAD 0.00001; gnomAD exomes 0.00002.
gnomAD v4.1: 16 of 1,612,654 alleles (0.00099%); highest among the groups gnomAD compares: South Asian, 0.0033%; no homozygotes.

Submission:

CeGaT Center for Human Genetics Tuebingen
Classification: Uncertain significance. Last evaluated: 2022-07-01. Review status: criteria provided, single submitter. Criteria: CeGaT Center For Human Genetics Tuebingen Variant Classification Criteria Version 2. Collection method: clinical testing. Allele origin: germline. Affected: yes. Observed: 1 variant allele.
Comment: ROGDI: PM2:Supporting, PP3

NM_024589.3(ROGDI):c.533G>A (p.Arg178Gln)

Gene: ROGDI (rogdi atypical leucine zipper; minus strand). Cytogenetic location: 16p13.3.
Variant type: single nucleotide variant.
Coding change: c.533G>A on transcript NM_024589.3 (MANE Select); coding-DNA position 533, G replaced by A.
Protein change: p.Arg178Gln; replaces arginine 178 with glutamine.
Molecular consequence: missense variant. On other transcripts: non-coding transcript variant (1).
Genome position (GRCh38, 1-based): chr16:4,798,183, C>T on the plus strand (G>A on the coding strand, the complement: ROGDI is on the minus strand). VCF-style: chr16-4798183-C-T. GRCh37 (hg19) VCF-style: chr16-4848184-C-T.
Other names: short protein forms R178Q.
Identifiers: ClinVar variation 1701279 (VCV001701279.31), dbSNP rs751703075, ClinGen allele CA7882650.
Genomic context (GRCh38, chr16:4,798,183, plus strand): 5'-TTGTTGAGGTTGATGTAGACGTTGACCAGCAGGTCGGACGGCAGGGCAGGGGCGAACATC[C>T]GCTGCGGGAGGCAGGTGGGATGAGGCCCTCGCAAGCCCCCAGCCCAGGCTGGATGGAGCG-3'
Protein context (NP_078865.1, residues 168-188): LPEIAASGLT[Arg178Gln]MFAPALPSDL